The following is an entry in ClinVar:

ClinVar aggregate classification (germline): Uncertain significance. Review status: criteria provided, multiple submitters, no conflicts (2 of 4 stars). 2 submissions from 2 submitters: Uncertain significance (2). Last evaluated 2025-05-19.

Allele frequency attached by ClinVar (database versions not stated): gnomAD exomes below 0.00001.
gnomAD v4.1: 1 of 1,613,996 alleles (0.000062%); highest among the groups gnomAD compares: Non-Finnish European, 0.000085%; no homozygotes.

Submissions (2):

GeneDx
Classification: Uncertain significance. Last evaluated: 2025-05-19. Review status: criteria provided, single submitter. Criteria: GeneDx Variant Classification Process June 2021. Collection method: clinical testing. Allele origin: germline. Affected: yes.
Comment: Not observed at significant frequency in large population cohorts (gnomAD); In silico analysis supports that this missense variant has a deleterious effect on protein structure/function; Has not been previously published as pathogenic or benign to our knowledge

Labcorp Genetics (formerly Invitae), Labcorp
Classification: Uncertain significance. Last evaluated: 2023-08-17. Review status: criteria provided, single submitter. Criteria: Invitae Variant Classification Sherloc (09022015). Collection method: clinical testing. Allele origin: germline.
Comment: This sequence change replaces lysine, which is basic and polar, with arginine, which is basic and polar, at codon 149 of the ELOVL4 protein (p.Lys149Arg). This variant is not present in population databases (gnomAD no frequency). This variant has not been reported in the literature in individuals affected with ELOVL4-related conditions. ClinVar contains an entry for this variant (Variation ID: 1505756). Advanced modeling of protein sequence and biophysical properties (such as structural, functional, and spatial information, amino acid conservation, physicochemical variation, residue mobility, and thermodynamic stability) performed at Invitae indicates that this missense variant is not expected to disrupt ELOVL4 protein function. In summary, the available evidence is currently insufficient to determine the role of this variant in disease. Therefore, it has been classified as a Variant of Uncertain Significance.

NM_022726.4(ELOVL4):c.446A>G (p.Lys149Arg)

Gene: ELOVL4 (ELOVL fatty acid elongase 4; minus strand). Cytogenetic location: 6q14.1.
Variant type: single nucleotide variant.
Coding change: c.446A>G on transcript NM_022726.4 (MANE Select); coding-DNA position 446, A replaced by G.
Protein change: p.Lys149Arg; replaces lysine 149 with arginine.
Molecular consequence: missense variant.
Genome position (GRCh38, 1-based): chr6:79,921,720, T>C on the plus strand (A>G on the coding strand, the complement: ELOVL4 is on the minus strand). VCF-style: chr6-79921720-T-C. GRCh37 (hg19) VCF-style: chr6-80631437-T-C.
Other names: c.446A>G (NM_022726.3); short protein forms K149R.
Identifiers: ClinVar variation 1505756 (VCV001505756.9), dbSNP rs2127698516, ClinGen allele CA364656648.